The following is an entry in ClinVar:

NM_004369.4(COL6A3):c.7290T>G (p.Asn2430Lys)

Gene: COL6A3 (collagen type VI alpha 3 chain; minus strand). Cytogenetic location: 2q37.3.
Variant type: single nucleotide variant.
Coding change: c.7290T>G on transcript NM_004369.4 (MANE Select); coding-DNA position 7290, T replaced by G.
Protein change: p.Asn2430Lys; replaces asparagine 2430 with lysine.
Molecular consequence: missense variant.
Genome position (GRCh38, 1-based): chr2:237,344,728, A>C on the plus strand (T>G on the coding strand, the complement: COL6A3 is on the minus strand). VCF-style: chr2-237344728-A-C. GRCh37 (hg19) VCF-style: chr2-238253371-A-C.
Other names: c.5469T>G, p.Asn1823Lys (NM_057166.5); c.6672T>G, p.Asn2224Lys (NM_057167.4); short protein forms N2430K, N1823K, N2224K.
Identifiers: ClinVar variation 660778 (VCV000660778.15), dbSNP rs900113844, ClinGen allele CA67839557.
Genomic context (GRCh38, chr2:237,344,728, plus strand): 5'-GTAGGTGACCACAGCCACCCGGGCCCCCCGTGGGCAGTTGCTCTCAGCAATGGTCAGGTC[A>C]TTCACAATACTCAAGACCACATCTCGCATCCGGCCGAAAGTGTCTTGGTTGACTCCCTCA-3'
Protein context (NP_004360.2, residues 2420-2440): RMRDVVLSIV[Asn2430Lys]DLTIAESNCP

ClinVar aggregate classification (germline): Uncertain significance. Review status: criteria provided, multiple submitters, no conflicts (2 of 4 stars). 4 submissions from 4 submitters: Uncertain significance (4). Last evaluated 2026-03-31.

Conditions:
Bethlem myopathy 1A. Also called: MYOPATHY, BENIGN CONGENITAL, WITH CONTRACTURES; Bethlem Muscular Dystrophy; Bethlem myopathy 1. Identifiers: Orphanet 610, MedGen CN029274, MONDO:0024530, OMIM 158810.
Inborn genetic diseases. Identifiers: MedGen C0950123, MeSH D030342.

Allele frequency attached by ClinVar (database versions not stated): gnomAD 0.00002 and 0.00001; TOPMed 0.00002.
gnomAD v4.1: 8 of 1,604,280 alleles (0.0005%); highest among the groups gnomAD compares: African/African-American, 0.0067%; no homozygotes.

Submissions (4):

Ambry Genetics
Classification: Uncertain significance for Inborn genetic diseases. Last evaluated: 2026-03-31. Review status: criteria provided, single submitter. Criteria: Ambry Variant Classification Scheme 2023. Collection method: clinical testing. Allele origin: germline.

Dasa
Classification: Uncertain significance. Last evaluated: 2026-03-24. Review status: criteria provided, single submitter. Criteria: DASA Assertion Criteria. Collection method: clinical testing. Allele origin: germline.
Comment: NM_004369.4(COL6A3):c.7290T>G (p.Asn2430Lys) is a missense variant that results in the substitution of asparagine with lysine. This variant is rare in population databases. Computational prediction algorithms are consistent with a benign effect. The currently available literature and clinical evidence are not sufficient to establish a definitive association between this variant and the reported condition. Therefore, this variant is classified as a variant of uncertain significance.

Labcorp Genetics (formerly Invitae), Labcorp
Classification: Uncertain significance for Bethlem myopathy 1A. Last evaluated: 2025-08-04. Review status: criteria provided, single submitter. Criteria: Invitae Variant Classification Sherloc (09022015). Collection method: clinical testing. Allele origin: germline.
Comment: This sequence change replaces asparagine, which is neutral and polar, with lysine, which is basic and polar, at codon 2430 of the COL6A3 protein (p.Asn2430Lys). This variant is not present in population databases (gnomAD no frequency). This variant has not been reported in the literature in individuals affected with COL6A3-related conditions. ClinVar contains an entry for this variant (Variation ID: 660778). Invitae Evidence Modeling of protein sequence and biophysical properties (such as structural, functional, and spatial information, amino acid conservation, physicochemical variation, residue mobility, and thermodynamic stability) indicates that this missense variant is not expected to disrupt COL6A3 protein function with a negative predictive value of 80%. In summary, the available evidence is currently insufficient to determine the role of this variant in disease. Therefore, it has been classified as a Variant of Uncertain Significance.

GeneDx
Classification: Uncertain significance. Last evaluated: 2023-01-31. Review status: criteria provided, single submitter. Criteria: GeneDx Variant Classification Process June 2021. Collection method: clinical testing. Allele origin: germline. Affected: yes.
Comment: Has not been previously published as pathogenic or benign to our knowledge; Not observed at significant frequency in large population cohorts (gnomAD); In silico analysis supports that this missense variant has a deleterious effect on protein structure/function